The following is an entry in ClinVar:

NM_000179.3(MSH6):c.3783T>C (p.Ala1261=)

Gene: MSH6 (mutS homolog 6; plus strand). Cytogenetic location: 2p16.3.
Variant type: single nucleotide variant.
Coding change: c.3783T>C on transcript NM_000179.3 (MANE Select); coding-DNA position 3783, T replaced by C.
Protein change: p.Ala1261=; no amino-acid change (alanine 1261 retained).
Molecular consequence: synonymous variant.
Genome position (GRCh38, 1-based): chr2:47,806,340, T>C. VCF-style: chr2-47806340-T-C. GRCh37 (hg19) VCF-style: chr2-48033479-T-C.
Other names: c.3393T>C, p.Ala1131= (NM_001281492.2); c.2877T>C, p.Ala959= (NM_001281493.2, NM_001281494.2); c.3783T>C (NM_000179.2).
Identifiers: ClinVar variation 1618962 (VCV001618962.10), dbSNP rs1254462699, ClinGen allele CA346761161.

ClinVar aggregate classification (germline): Benign/Likely benign. Review status: criteria provided, multiple submitters, no conflicts (2 of 4 stars). 3 submissions from 3 submitters: Benign (1); Likely benign (2). Last evaluated 2026-03-06.

Conditions:
Lynch syndrome 5 (LYNCH5). Also called: Colorectal cancer, hereditary nonpolyposis, type 5; Hereditary non-polyposis colorectal cancer, type 5. Identifiers: Orphanet 144, MedGen C1833477, MONDO:0013710, OMIM 614350. Disease mechanism: loss of function.
Hereditary nonpolyposis colorectal neoplasms. Identifiers: MedGen C0009405, MeSH D003123.
Hereditary cancer-predisposing syndrome. Also called: Tumor predisposition; Hereditary Cancer Syndrome; Hereditary neoplastic syndrome; Neoplastic Syndromes, Hereditary. Identifiers: Orphanet 140162, MedGen C0027672, MeSH D009386, MONDO:0015356.

Allele frequency attached by ClinVar (database versions not stated): gnomAD exomes below 0.00001.
gnomAD v4.1: 1 of 1,614,174 alleles (0.000062%); highest among the groups gnomAD compares: Admixed American, 0.0017%; no homozygotes.

Submissions (3):

Ambry Genetics
Classification: Likely benign for Hereditary cancer-predisposing syndrome. Last evaluated: 2026-03-06. Review status: criteria provided, single submitter. Criteria: Ambry Variant Classification Scheme 2023. Collection method: clinical testing. Allele origin: germline.

Labcorp Genetics (formerly Invitae), Labcorp
Classification: Likely benign for Hereditary nonpolyposis colorectal neoplasms. Last evaluated: 2025-03-23. Review status: criteria provided, single submitter. Criteria: Invitae Variant Classification Sherloc (09022015). Collection method: clinical testing. Allele origin: germline.

Myriad Genetics, Inc.
Classification: Benign for Lynch syndrome 5. Last evaluated: 2025-01-08. Review status: criteria provided, single submitter. Criteria: Myriad Autosomal Dominant, Autosomal Recessive and X-Linked Classification Criteria (2023). Collection method: clinical testing. Allele origin: unknown.
Comment: This variant is considered benign. This variant is a silent/synonymous amino acid change and it is not expected to impact splicing.